The following is an entry in ClinVar:

NM_005045.4(RELN):c.7316C>T (p.Thr2439Ile)

Gene: RELN (reelin; minus strand). Cytogenetic location: 7q22.1.
Variant type: single nucleotide variant.
Coding change: c.7316C>T on transcript NM_005045.4 (MANE Select); coding-DNA position 7316, C replaced by T.
Protein change: p.Thr2439Ile; replaces threonine 2439 with isoleucine.
Molecular consequence: missense variant.
Genome position (GRCh38, 1-based): chr7:103,535,349, G>A on the plus strand (C>T on the coding strand, the complement: RELN is on the minus strand). VCF-style: chr7-103535349-G-A. GRCh37 (hg19) VCF-style: chr7-103175796-G-A.
Other names: c.7316C>T, p.Thr2439Ile (NM_173054.3); short protein forms T2439I.
Identifiers: ClinVar variation 2939472 (VCV002939472.3), dbSNP rs2484776505, ClinGen allele CA368768656.
Genomic context (GRCh38, chr7:103,535,349, plus strand): 5'-GTGGTGAACATGTAGAAGCATTCTTACCTGGTATAAGGAGGGAGAGGCAGAGTGATTCTA[G>A]TCCACTTGTTGAAAGTGTCTGACACCAGGATCCGTTGCAGATGATAGCGACTGCATTCCA-3'
Protein context (NP_005036.2, residues 2429-2449): ILVSDTFNKW[Thr2439Ile]RITLPLPPYT

ClinVar aggregate classification (germline): Uncertain significance (1 of 4 stars; one submission).

Conditions:
Norman-Roberts syndrome (LIS2). Also called: Lissencephaly 2 (Norman-Roberts type). Identifiers: Orphanet 89844, MedGen C0796089, MONDO:0009760, OMIM 257320.
Familial temporal lobe epilepsy 7. Identifiers: Orphanet 101046, MedGen C4225327, MONDO:0014639, OMIM 616436.

Submission:

Labcorp Genetics (formerly Invitae), Labcorp
Classification: Uncertain significance for Familial temporal lobe epilepsy 7; Norman-Roberts syndrome. Last evaluated: 2022-11-15. Review status: criteria provided, single submitter. Criteria: Invitae Variant Classification Sherloc (09022015). Collection method: clinical testing. Allele origin: germline.
Comment: In summary, the available evidence is currently insufficient to determine the role of this variant in disease. Therefore, it has been classified as a Variant of Uncertain Significance. Advanced modeling of protein sequence and biophysical properties (such as structural, functional, and spatial information, amino acid conservation, physicochemical variation, residue mobility, and thermodynamic stability) performed at Invitae indicates that this missense variant is not expected to disrupt RELN protein function. This variant has not been reported in the literature in individuals affected with RELN-related conditions. This variant is not present in population databases (gnomAD no frequency). This sequence change replaces threonine, which is neutral and polar, with isoleucine, which is neutral and non-polar, at codon 2439 of the RELN protein (p.Thr2439Ile).